The following is an entry in ClinVar:

NM_000204.5(CFI):c.763_772+9delinsGTATCCAC

Gene: CFI (complement factor I; minus strand). Cytogenetic location: 4q25.
Variant type: Indel.
Coding change: c.763_772+9delinsGTATCCAC on transcript NM_000204.5 (MANE Select); coding-DNA position 763 through 9 bases into the intron after coding-DNA position 772, TGTTGTAAAGGTAGACATA replaced by GTATCCAC.
Molecular consequence: splice donor variant.
Genome position (GRCh38, 1-based): chr4:109,760,514-109,760,532, TATGTCTACCTTTACAACA replaced by GTGGATAC on the plus strand (TGTTGTAAAGGTAGACATA replaced by GTATCCAC on the coding strand, the reverse complement: CFI is on the minus strand). VCF-style: chr4-109760514-TATGTCTACCTTTACAACA-GTGGATAC. GRCh37 (hg19) VCF-style: chr4-110681670-TATGTCTACCTTTACAACA-GTGGATAC.
Other names: c.763_772+9delinsGTATCCAC (NM_001318057.2, NM_001375282.1, NM_001375280.1 and 5 more transcripts); c.154_163+9delinsGTATCCAC (NM_001375284.1).
Identifiers: ClinVar variation 1179031 (VCV001179031.2), dbSNP rs2126214430, ClinGen allele CA2499217040.

ClinVar aggregate classification (germline): Pathogenic (1 of 4 stars; one submission).

Conditions:
Atypical hemolytic-uremic syndrome with I factor anomaly. Also called: HEMOLYTIC UREMIC SYNDROME, ATYPICAL, SUSCEPTIBILITY TO, 3; AHUS, SUSCEPTIBILITY TO, 3. Identifiers: Orphanet 2134, MedGen C2752039, MONDO:0013041, OMIM 612923.
Factor I deficiency (CFID). Also called: Complement factor I deficiency. Identifiers: Orphanet 200418, MedGen C3463916, MONDO:0012594, OMIM 610984.
Age related macular degeneration 13. Identifiers: MedGen C3809523, MONDO:0014189, OMIM 615439.

Submission:

Fulgent Genetics
Classification: Pathogenic for Factor I deficiency; Atypical hemolytic-uremic syndrome with I factor anomaly; Age related macular degeneration 13. Last evaluated: 2021-06-30. Review status: criteria provided, single submitter. Criteria: ACMG Guidelines, 2015. Collection method: clinical testing. Allele origin: unknown.
Comment: This variant has been detected in individual(s) who were sent for testing of Renasight - kidney gene panel.